The following is an entry in ClinVar:

ClinVar aggregate classification (germline): Uncertain significance (1 of 4 stars; one submission).

Conditions:
Neuropathy, hereditary sensory and autonomic, type 2A (HSAN2A). Also called: ACROOSTEOLYSIS, GIACCAI TYPE; ACROOSTEOLYSIS, NEUROGENIC; WNK1-Related HSAN2 (HSAN2A); MORVAN DISEASE; NEUROPATHY, CONGENITAL SENSORY; NEUROPATHY, HEREDITARY SENSORY RADICULAR, AUTOSOMAL RECESSIVE. Identifiers: Orphanet 970, MedGen C2752089, MONDO:0024309, OMIM 201300.
Generalized epilepsy with febrile seizures plus, type 7 (GEFSP7). Also called: GEFS+, TYPE 7. Identifiers: Orphanet 36387, MedGen C2751778, MONDO:0013470, OMIM 613863.

Submission:

Labcorp Genetics (formerly Invitae), Labcorp
Classification: Uncertain significance for Neuropathy, hereditary sensory and autonomic, type 2A; Generalized epilepsy with febrile seizures plus, type 7. Last evaluated: 2024-10-28. Review status: criteria provided, single submitter. Criteria: Invitae Variant Classification Sherloc (09022015). Collection method: clinical testing. Allele origin: germline.
Comment: This sequence change replaces phenylalanine, which is neutral and non-polar, with tyrosine, which is neutral and polar, at codon 347 of the SCN9A protein (p.Phe347Tyr). This variant is not present in population databases (gnomAD no frequency). This variant has not been reported in the literature in individuals affected with SCN9A-related conditions. Invitae Evidence Modeling of protein sequence and biophysical properties (such as structural, functional, and spatial information, amino acid conservation, physicochemical variation, residue mobility, and thermodynamic stability) has been performed for this missense variant. However, the output from this modeling did not meet the statistical confidence thresholds required to predict the impact of this variant on SCN9A protein function. In summary, the available evidence is currently insufficient to determine the role of this variant in disease. Therefore, it has been classified as a Variant of Uncertain Significance.

NM_001365536.1(SCN9A):c.1040T>A (p.Phe347Tyr)

Genes: SCN9A (sodium voltage-gated channel alpha subunit 9; minus strand), SCN1A-AS1 (SCN1A and SCN9A antisense RNA 1; plus strand). Cytogenetic location: 2q24.3.
Variant type: single nucleotide variant.
Coding change: c.1040T>A on transcript NM_001365536.1 (MANE Select); coding-DNA position 1040, T replaced by A.
Protein change: p.Phe347Tyr; replaces phenylalanine 347 with tyrosine.
Molecular consequence: missense variant.
Genome position (GRCh38, 1-based): chr2:166,293,298, A>T on the plus strand (T>A on the coding strand, the complement: SCN9A is on the minus strand). VCF-style: chr2-166293298-A-T. GRCh37 (hg19) VCF-style: chr2-167149808-A-T.
Other names: c.1040T>A, p.Phe347Tyr (NM_002977.4); short protein forms F347Y.
Identifiers: ClinVar variation 3758938 (VCV003758938.2).